The following is an entry in ClinVar:

NM_000875.5(IGF1R):c.3274C>T (p.Arg1092Trp)

Gene: IGF1R (insulin like growth factor 1 receptor; plus strand). Cytogenetic location: 15q26.3.
Variant type: single nucleotide variant.
Coding change: c.3274C>T on transcript NM_000875.5 (MANE Select); coding-DNA position 3274, C replaced by T.
Protein change: p.Arg1092Trp; replaces arginine 1092 with tryptophan.
Molecular consequence: missense variant.
Genome position (GRCh38, 1-based): chr15:98,935,403, C>T. VCF-style: chr15-98935403-C-T. GRCh37 (hg19) VCF-style: chr15-99478632-C-T.
Other names: c.3271C>T, p.Arg1091Trp (NM_001291858.2); short protein forms R1092W, R1091W.
Identifiers: ClinVar variation 3692074 (VCV003692074.2).
Genomic context (GRCh38, chr15:98,935,403, plus strand): 5'-GGCCAGCCAACACTGGTCATCATGGAACTGATGACACGGGGCGATCTCAAAAGTTATCTC[C>T]GGTCTCTGAGGCCAGAAATGGAGGTCAGTTTTCATTTCCACCGGTATTGCATGTTGCCTG-3'
Protein context (NP_000866.1, residues 1082-1102): MTRGDLKSYL[Arg1092Trp]SLRPEMENNP

ClinVar aggregate classification (germline): Uncertain significance (1 of 4 stars; one submission).

gnomAD v4.1: 5 of 1,550,308 alleles (0.00032%); highest among the groups gnomAD compares: Non-Finnish European, 0.00026%; no homozygotes.

Submission:

Labcorp Genetics (formerly Invitae), Labcorp
Classification: Uncertain significance. Last evaluated: 2024-12-16. Review status: criteria provided, single submitter. Criteria: Invitae Variant Classification Sherloc (09022015). Collection method: clinical testing. Allele origin: germline.
Comment: This sequence change replaces arginine, which is basic and polar, with tryptophan, which is neutral and slightly polar, at codon 1092 of the IGF1R protein (p.Arg1092Trp). This variant is present in population databases (no rsID available, gnomAD 0.002%). This variant has not been reported in the literature in individuals affected with IGF1R-related conditions. Invitae Evidence Modeling of protein sequence and biophysical properties (such as structural, functional, and spatial information, amino acid conservation, physicochemical variation, residue mobility, and thermodynamic stability) indicates that this missense variant is expected to disrupt IGF1R protein function with a positive predictive value of 80%. In summary, the available evidence is currently insufficient to determine the role of this variant in disease. Therefore, it has been classified as a Variant of Uncertain Significance.